The following is an entry in ClinVar:

ClinVar aggregate classification (germline): Uncertain significance (1 of 4 stars; one submission).

Submission:

Labcorp Genetics (formerly Invitae), Labcorp
Classification: Uncertain significance. Last evaluated: 2022-08-16. Review status: criteria provided, single submitter. Criteria: Invitae Variant Classification Sherloc (09022015). Collection method: clinical testing. Allele origin: germline.
Comment: A copy number gain of the genomic region encompassing the full coding sequence of the PARS2 gene has been identified. The boundaries of this event are unknown as they extend beyond the assayed region for this gene and therefore may encompass additional genes. As the precise location of this event is unknown, it may be in tandem or it may be located elsewhere in the genome. This variant has not been reported in the literature in individuals affected with PARS2-related conditions. In summary, the available evidence is currently insufficient to determine the role of this variant in disease. Therefore, it has been classified as a Variant of Uncertain Significance.

NC_000001.10:g.(?_55223407)_(55224834_?)dup

Gene: PARS2 (prolyl-tRNA synthetase 2, mitochondrial; minus strand). Cytogenetic location: 1p32.3.
Variant type: Duplication.
Identifiers: ClinVar variation 1434548 (VCV001434548.4).